The following is an entry in ClinVar:

NM_015909.4(NBAS):c.4163G>A (p.Ser1388Asn)

Gene: NBAS (NBAS subunit of NRZ tethering complex; minus strand). Cytogenetic location: 2p24.3.
Variant type: single nucleotide variant.
Coding change: c.4163G>A on transcript NM_015909.4 (MANE Select); coding-DNA position 4163, G replaced by A.
Protein change: p.Ser1388Asn; replaces serine 1388 with asparagine.
Molecular consequence: missense variant. On other transcripts: non-coding transcript variant (1).
Genome position (GRCh38, 1-based): chr2:15,352,008, C>T on the plus strand (G>A on the coding strand, the complement: NBAS is on the minus strand). VCF-style: chr2-15352008-C-T. GRCh37 (hg19) VCF-style: chr2-15492132-C-T.
Other names: short protein forms S1388N.
Identifiers: ClinVar variation 3720247 (VCV003720247.2).
Genomic context (GRCh38, chr2:15,352,008, plus strand): 5'-ACTCTCAGCCACCTTTCAAACTCCGCTCCCTCATTTTAACTTACCTCTTGTACTGCTTTA[C>T]TAGTTAATGGTGAAGCACTGATATTTTCCCCTCCTTCATGATGGATCTGGAAATTCACTC-3'
Protein context (NP_056993.2, residues 1378-1398): GENISASPLT[Ser1388Asn]KAVQEDEVGV

ClinVar aggregate classification (germline): Uncertain significance (1 of 4 stars; one submission).

gnomAD v4.1: 1 of 1,610,484 alleles (0.000062%); highest among the groups gnomAD compares: Non-Finnish European, 0.000085%; no homozygotes.

Submission:

Labcorp Genetics (formerly Invitae), Labcorp
Classification: Uncertain significance. Last evaluated: 2024-09-23. Review status: criteria provided, single submitter. Criteria: Invitae Variant Classification Sherloc (09022015). Collection method: clinical testing. Allele origin: germline.
Comment: This sequence change replaces serine, which is neutral and polar, with asparagine, which is neutral and polar, at codon 1388 of the NBAS protein (p.Ser1388Asn). This variant is not present in population databases (gnomAD no frequency). This variant has not been reported in the literature in individuals affected with NBAS-related conditions. Invitae Evidence Modeling of protein sequence and biophysical properties (such as structural, functional, and spatial information, amino acid conservation, physicochemical variation, residue mobility, and thermodynamic stability) indicates that this missense variant is not expected to disrupt NBAS protein function with a negative predictive value of 95%. In summary, the available evidence is currently insufficient to determine the role of this variant in disease. Therefore, it has been classified as a Variant of Uncertain Significance.